The following is an entry in ClinVar:

ClinVar aggregate classification (germline): Conflicting classifications of pathogenicity. Review status: criteria provided, conflicting classifications (1 of 4 stars). 5 submissions from 5 submitters: Uncertain significance (4); Likely benign (1). Last evaluated 2025-04-18.

Conditions:
Multiple congenital anomalies-hypotonia-seizures syndrome 1 (MCAHS1). Also called: GLYCOSYLPHOSPHATIDYLINOSITOL BIOSYNTHESIS DEFECT 3; PIGN-CDG; Congenital disorder of glycosylation due to PIGN deficiency. Identifiers: Orphanet 280633, MedGen C3279775, MONDO:0013563, OMIM 614080.
Inborn genetic diseases. Identifiers: MedGen C0950123, MeSH D030342.

Allele frequency attached by ClinVar (database versions not stated): ExAC 0.00009; TOPMed 0.00014; gnomAD exomes 0.00010; gnomAD 0.00012; ESP Exome Variant Server 0.00017.

Submissions (5):

Athena Diagnostics
Classification: Uncertain significance. Last evaluated: 2025-04-18. Review status: criteria provided, single submitter. Criteria: Athena Diagnostics Criteria. Collection method: clinical testing. Allele origin: unknown.
Comment: Available data are insufficient to determine the clinical significance of the variant at this time. The frequency of this variant in the general population is uninformative in assessment of its pathogenicity. Polyphen and MutationTaster predict this amino acid change may be benign.

GeneDx
Classification: Uncertain significance. Last evaluated: 2024-12-06. Review status: criteria provided, single submitter. Criteria: GeneDx Variant Classification Process June 2021. Collection method: clinical testing. Allele origin: germline.
Comment: In silico analysis indicates that this missense variant does not alter protein structure/function; Has not been previously published as pathogenic or benign to our knowledge

3billion
Classification: Likely benign for Multiple congenital anomalies-hypotonia-seizures syndrome 1. Last evaluated: 2024-09-20. Review status: criteria provided, single submitter. Criteria: ACMG Guidelines, 2015. Collection method: clinical testing. Allele origin: germline. Affected: no.
Comment: The homozygous variant was found in patients diagnosed with another variant in a different gene, with no symptoms related to the gene containing the homozygous variant.

Ambry Genetics
Classification: Uncertain significance for Inborn genetic diseases. Last evaluated: 2024-03-15. Review status: criteria provided, single submitter. Criteria: Ambry Variant Classification Scheme 2023. Collection method: clinical testing. Allele origin: germline.

Labcorp Genetics (formerly Invitae), Labcorp
Classification: Uncertain significance for Multiple congenital anomalies-hypotonia-seizures syndrome 1. Last evaluated: 2022-09-27. Review status: criteria provided, single submitter. Criteria: Invitae Variant Classification Sherloc (09022015). Collection method: clinical testing. Allele origin: germline.
Comment: This sequence change replaces alanine, which is neutral and non-polar, with threonine, which is neutral and polar, at codon 458 of the PIGN protein (p.Ala458Thr). This variant is present in population databases (rs370794466, gnomAD 0.04%). This variant has not been reported in the literature in individuals affected with PIGN-related conditions. ClinVar contains an entry for this variant (Variation ID: 472209). Advanced modeling of protein sequence and biophysical properties (such as structural, functional, and spatial information, amino acid conservation, physicochemical variation, residue mobility, and thermodynamic stability) performed at Invitae indicates that this missense variant is not expected to disrupt PIGN protein function. In summary, the available evidence is currently insufficient to determine the role of this variant in disease. Therefore, it has been classified as a Variant of Uncertain Significance.

Literature cited by the submitters: PubMed 31440721 (cited by Athena Diagnostics).

NM_176787.5(PIGN):c.1372G>A (p.Ala458Thr)

Gene: PIGN (phosphatidylinositol glycan anchor biosynthesis class N; minus strand). Cytogenetic location: 18q21.33.
Variant type: single nucleotide variant.
Coding change: c.1372G>A on transcript NM_176787.5 (MANE Select); coding-DNA position 1372, G replaced by A.
Protein change: p.Ala458Thr; replaces alanine 458 with threonine.
Molecular consequence: missense variant.
Genome position (GRCh38, 1-based): chr18:62,113,196, C>T on the plus strand (G>A on the coding strand, the complement: PIGN is on the minus strand). VCF-style: chr18-62113196-C-T. GRCh37 (hg19) VCF-style: chr18-59780429-C-T.
Other names: c.1372G>A, p.Ala458Thr (NM_012327.6); short protein forms A458T.
Identifiers: ClinVar variation 472209 (VCV000472209.12), dbSNP rs370794466, ClinGen allele CA8982318.
Genomic context (GRCh38, chr18:62,113,196, plus strand): 5'-TCACTTCTTTACTAACACCTTTTATAAGGTTGGAATGAGACTTGATGATCAACAAAGAGG[C>T]ATAAGATATCCATCCCACAAAACCAATAACAACATTGACGCCCAAAAAGAATCTGTCATA-3'
Protein context (NP_789744.1, residues 448-468): VIGFVGWISY[Ala458Thr]SLLIIKSHSN